The following is an entry in ClinVar:

NM_004746.4(DLGAP1):c.205A>C (p.Thr69Pro)

Genes: DLGAP1 (DLG associated protein 1; minus strand), DLGAP1-AS3 (DLGAP1 antisense RNA 3; plus strand). Cytogenetic location: 18p11.31.
Variant type: single nucleotide variant.
Coding change: c.205A>C on transcript NM_004746.4 (MANE Select); coding-DNA position 205, A replaced by C.
Protein change: p.Thr69Pro; replaces threonine 69 with proline.
Molecular consequence: missense variant.
Genome position (GRCh38, 1-based): chr18:3,879,864, T>G on the plus strand (A>C on the coding strand, the complement: DLGAP1 is on the minus strand). VCF-style: chr18-3879864-T-G. GRCh37 (hg19) VCF-style: chr18-3879864-T-G.
Other names: c.205A>C, p.Thr69Pro (NM_001242761.2, NM_001398525.1, NM_001398526.1 and 2 more transcripts); short protein forms T69P.
Identifiers: ClinVar variation 3346866 (VCV003346866.1).

ClinVar aggregate classification (germline): Uncertain significance (0 of 4 stars; one submission).

Conditions:
DLGAP1-related disorder. Also called: DLGAP1-related condition.

Submission:

PreventionGenetics, part of Exact Sciences
Classification: Uncertain significance for DLGAP1-related condition. Last evaluated: 2024-04-17. Review status: no assertion criteria provided. Collection method: clinical testing. Allele origin: germline.
Comment: The DLGAP1 c.205A>C variant is predicted to result in the amino acid substitution p.Thr69Pro. To our knowledge, this variant has not been reported in the literature or in a large population database, indicating this variant is rare. At this time, the clinical significance of this variant is uncertain due to the absence of conclusive functional and genetic evidence.